The following is an entry in ClinVar:

NM_001322934.2(NFKB2):c.2072G>A (p.Gly691Asp)

Gene: NFKB2 (nuclear factor kappa B subunit 2; plus strand). Cytogenetic location: 10q24.32.
Variant type: single nucleotide variant.
Coding change: c.2072G>A on transcript NM_001322934.2 (MANE Select); coding-DNA position 2072, G replaced by A.
Protein change: p.Gly691Asp; replaces glycine 691 with aspartic acid.
Molecular consequence: missense variant.
Genome position (GRCh38, 1-based): chr10:102,401,180, G>A. VCF-style: chr10-102401180-G-A. GRCh37 (hg19) VCF-style: chr10-104160937-G-A.
Other names: c.2072G>A, p.Gly691Asp (NM_001077494.3, NM_001261403.3, NM_001288724.1 and 1 more transcripts); c.1946G>A, p.Gly649Asp (NM_001322935.1); short protein forms G691D, G649D.
Identifiers: ClinVar variation 4700011 (VCV004700011.1).

ClinVar aggregate classification (germline): Uncertain significance (1 of 4 stars; one submission).

Conditions:
Immunodeficiency, common variable, 10. Also called: IMMUNODEFICIENCY, COMMON VARIABLE, WITH CENTRAL ADRENAL INSUFFICIENCY; DEFICIT IN ANTERIOR PITUITARY FUNCTION AND VARIABLE IMMUNODEFICIENCY. Identifiers: MedGen C3809991, MONDO:0014260, OMIM 615577.

gnomAD v4.1: 5 of 1,591,682 alleles (0.00031%); highest among the groups gnomAD compares: East Asian, 0.0067%; no homozygotes.

Submission:

Labcorp Genetics (formerly Invitae), Labcorp
Classification: Uncertain significance for Immunodeficiency, common variable, 10. Last evaluated: 2025-04-21. Review status: criteria provided, single submitter. Criteria: Invitae Variant Classification Sherloc (09022015). Collection method: clinical testing. Allele origin: germline.
Comment: This sequence change replaces glycine, which is neutral and non-polar, with aspartic acid, which is acidic and polar, at codon 691 of the NFKB2 protein (p.Gly691Asp). This variant is not present in population databases (gnomAD no frequency). This variant has not been reported in the literature in individuals affected with NFKB2-related conditions. An algorithm developed to predict the effect of missense changes on protein structure and function (PolyPhen-2) suggests that this variant is likely to be disruptive. In summary, the available evidence is currently insufficient to determine the role of this variant in disease. Therefore, it has been classified as a Variant of Uncertain Significance.